The following is an entry in ClinVar:

NM_000088.4(COL1A1):c.4103A>G (p.Tyr1368Cys)

Gene: COL1A1 (collagen type I alpha 1 chain; minus strand). Cytogenetic location: 17q21.33.
Variant type: single nucleotide variant.
Coding change: c.4103A>G on transcript NM_000088.4 (MANE Select); coding-DNA position 4103, A replaced by G.
Protein change: p.Tyr1368Cys; replaces tyrosine 1368 with cysteine.
Molecular consequence: missense variant.
Genome position (GRCh38, 1-based): chr17:50,185,923, T>C on the plus strand (A>G on the coding strand, the complement: COL1A1 is on the minus strand). VCF-style: chr17-50185923-T-C. GRCh37 (hg19) VCF-style: chr17-48263284-T-C.
Other names: short protein forms Y1368C.
Identifiers: ClinVar variation 2032277 (VCV002032277.5), dbSNP rs2509156659, ClinGen allele CA400192256.

ClinVar aggregate classification (germline): Likely pathogenic. Review status: criteria provided, multiple submitters, no conflicts (2 of 4 stars). 2 submissions from 2 submitters: Likely pathogenic (2). Last evaluated 2023-08-23.

Conditions:
Osteogenesis imperfecta type I (OI1). Also called: OI, TYPE I; OSTEOGENESIS IMPERFECTA TARDA; OSTEOGENESIS IMPERFECTA WITH BLUE SCLERAE; Osteogenesis imperfecta type 1; Lobstein's Disease; Lobstein disease. Identifiers: Orphanet 216796, Orphanet 666, MedGen C0023931, MONDO:0008146, OMIM 166200. Disease mechanism: loss of function.
COL1A1-related disorder. Also called: COL1A1- related disease; COL1A1-related condition.

Submissions (2):

Labcorp Genetics (formerly Invitae), Labcorp
Classification: Likely pathogenic for Osteogenesis imperfecta type I. Last evaluated: 2023-08-23. Review status: criteria provided, single submitter. Criteria: Invitae Variant Classification Sherloc (09022015). Collection method: clinical testing. Allele origin: germline.
Comment: This sequence change replaces tyrosine, which is neutral and polar, with cysteine, which is neutral and slightly polar, at codon 1368 of the COL1A1 protein (p.Tyr1368Cys). In summary, the currently available evidence indicates that the variant is pathogenic, but additional data are needed to prove that conclusively. Therefore, this variant has been classified as Likely Pathogenic. Advanced modeling of protein sequence and biophysical properties (such as structural, functional, and spatial information, amino acid conservation, physicochemical variation, residue mobility, and thermodynamic stability) performed at Invitae indicates that this missense variant is expected to disrupt COL1A1 protein function. ClinVar contains an entry for this variant (Variation ID: 2032277). This missense change has been observed in individual(s) with COL1A1-related conditions (Invitae). This variant is not present in population databases (gnomAD no frequency).

Blueprint Genetics
Classification: Likely pathogenic for COL1A1-related disorders. Last evaluated: 2023-02-21. Review status: criteria provided, single submitter. Criteria: ACMG Guidelines, 2015. Collection method: clinical testing. Allele origin: germline. Affected: yes. Observed: 2 variant alleles.